The following is an entry in ClinVar:

ClinVar aggregate classification (germline): Likely benign. Review status: criteria provided, multiple submitters, no conflicts (2 of 4 stars). 2 submissions from 2 submitters: Likely benign (2). Last evaluated 2025-06-24.

Conditions:
Sulfite oxidase deficiency due to molybdenum cofactor deficiency type C. Also called: Molybdenum cofactor deficiency, complementation group C; Molybdenum cofactor deficiency C. Identifiers: Orphanet 308400, Orphanet 833, MedGen C1854990, MONDO:0014212, OMIM 615501.

Allele frequency attached by ClinVar (database versions not stated): gnomAD exomes 0.00001 and 0.00002; TOPMed 0.00001; ExAC 0.00001; gnomAD 0.00001.
gnomAD v4.1: 21 of 1,572,572 alleles (0.0013%); highest among the groups gnomAD compares: Non-Finnish European, 0.0018%; no homozygotes.

Submissions (2):

Mayo Clinic Laboratories, Mayo Clinic
Classification: Likely benign. Last evaluated: 2025-06-24. Review status: criteria provided, single submitter. Criteria: ACMG Guidelines, 2015. Collection method: clinical testing. Allele origin: germline. Observed: 1 variant allele.
Comment: BP4, BP7

Labcorp Genetics (formerly Invitae), Labcorp
Classification: Likely benign for Sulfite oxidase deficiency due to molybdenum cofactor deficiency type C. Last evaluated: 2023-08-17. Review status: criteria provided, single submitter. Criteria: Invitae Variant Classification Sherloc (09022015). Collection method: clinical testing. Allele origin: germline.

NM_020806.5(GPHN):c.72T>C (p.Asp24=)

Gene: GPHN (gephyrin; plus strand). Cytogenetic location: 14q23.3.
Variant type: single nucleotide variant.
Coding change: c.72T>C on transcript NM_020806.5 (MANE Select); coding-DNA position 72, T replaced by C.
Protein change: p.Asp24=; no amino-acid change (aspartic acid 24 retained).
Molecular consequence: synonymous variant.
Genome position (GRCh38, 1-based): chr14:66,681,114, T>C. VCF-style: chr14-66681114-T-C. GRCh37 (hg19) VCF-style: chr14-67147832-T-C.
Other names: p.Asp24=; c.72T>C (NM_020806.4); c.72T>C, p.Asp24= (NM_001024218.2, NM_001377514.1, NM_001377515.1 and 4 more transcripts).
Identifiers: ClinVar variation 1641387 (VCV001641387.9), dbSNP rs777651189, ClinGen allele CA7233628.